The following is an entry in ClinVar:

ClinVar aggregate classification (germline): Uncertain significance (1 of 4 stars; one submission).

gnomAD v4.1: 10 of 1,609,662 alleles (0.00062%); highest among the groups gnomAD compares: Non-Finnish European, 0.00085%; no homozygotes.

Submission:

GeneDx
Classification: Uncertain significance. Last evaluated: 2021-04-15. Review status: criteria provided, single submitter. Criteria: GeneDx Variant Classification Process June 2021. Collection method: clinical testing. Allele origin: germline. Affected: yes.
Comment: Has not been previously published as pathogenic or benign to our knowledge; Not observed in large population cohorts (Lek et al., 2016); In silico analysis supports that this missense variant does not alter protein structure/function

NM_198525.3(KIF7):c.2530G>C (p.Glu844Gln)

Gene: KIF7 (kinesin family member 7; minus strand). Cytogenetic location: 15q26.1.
Variant type: single nucleotide variant.
Coding change: c.2530G>C on transcript NM_198525.3 (MANE Select); coding-DNA position 2530, G replaced by C.
Protein change: p.Glu844Gln; replaces glutamic acid 844 with glutamine.
Molecular consequence: missense variant.
Genome position (GRCh38, 1-based): chr15:89,633,748, C>G on the plus strand (G>C on the coding strand, the complement: KIF7 is on the minus strand). VCF-style: chr15-89633748-C-G. GRCh37 (hg19) VCF-style: chr15-90176979-C-G.
Other names: short protein forms E844Q.
Identifiers: ClinVar variation 1326558 (VCV001326558.2), dbSNP rs760348444, ClinGen allele CA274569160.
Genomic context (GRCh38, chr15:89,633,748, plus strand): 5'-TGACGCGGTGCTGCCGCTTGCTCATTTCTGCCTCCAGGCGCCGCTTCTGCTCCGTCTCCT[C>G]GCGAAGCCGCCTCTGCAGCTGTCCCTGCTGCTGCCGCATGAGCTGCACGTTCCGCTCGAG-3'
Protein context (NP_940927.2, residues 834-854): QQGQLQRRLR[Glu844Gln]ETEQKRRLEA